The following is an entry in ClinVar:

NM_002334.4(LRP4):c.3642T>G (p.Asn1214Lys)

Gene: LRP4 (LDL receptor related protein 4; minus strand). Cytogenetic location: 11p11.2.
Variant type: single nucleotide variant.
Coding change: c.3642T>G on transcript NM_002334.4 (MANE Select); coding-DNA position 3642, T replaced by G.
Protein change: p.Asn1214Lys; replaces asparagine 1214 with lysine.
Molecular consequence: missense variant.
Genome position (GRCh38, 1-based): chr11:46,875,861, A>C on the plus strand (T>G on the coding strand, the complement: LRP4 is on the minus strand). VCF-style: chr11-46875861-A-C. GRCh37 (hg19) VCF-style: chr11-46897412-A-C.
Other names: short protein forms N1214K.
Identifiers: ClinVar variation 1968436 (VCV001968436.3), dbSNP rs1444509043, ClinGen allele CA380273150.
Genomic context (GRCh38, chr11:46,875,861, plus strand): 5'-CACCTCGGTGTGGGCATCGGCCCATAGCAGTTGGGAGCTGGCCTTGTCCACAGTCAGTCC[A>C]TTGGGCCATCCTAGGTTGTTGTTGATGAGCACCGCGCGGTCTGAGCCATCCATTCCGGAC-3'
Protein context (NP_002325.2, residues 1204-1224): VLINNNLGWP[Asn1214Lys]GLTVDKASSQ

ClinVar aggregate classification (germline): Uncertain significance (1 of 4 stars; one submission).

Conditions:
Sclerosteosis 2 (SOST2). Identifiers: Orphanet 3152, MedGen C3280402, MONDO:0013679, OMIM 614305.
Cenani-Lenz syndactyly syndrome. Also called: SYNDACTYLY, TYPE VII; CENANI SYNDACTYLISM. Identifiers: Orphanet 3258, MedGen C1859309, MONDO:0008931, OMIM 212780.
Congenital myasthenic syndrome 17. Identifiers: Orphanet 590, MedGen C4225377, MONDO:0014578, OMIM 616304.

Allele frequency attached by ClinVar (database versions not stated): gnomAD exomes below 0.00001; TOPMed below 0.00001.
gnomAD v4.1: 1 of 1,614,042 alleles (0.000062%); highest among the groups gnomAD compares: Admixed American, 0.0017%; no homozygotes.

Submission:

Labcorp Genetics (formerly Invitae), Labcorp
Classification: Uncertain significance for Cenani-Lenz syndactyly syndrome; Sclerosteosis 2; Congenital myasthenic syndrome 17. Last evaluated: 2022-06-11. Review status: criteria provided, single submitter. Criteria: Invitae Variant Classification Sherloc (09022015). Collection method: clinical testing. Allele origin: germline.
Comment: This sequence change replaces asparagine, which is neutral and polar, with lysine, which is basic and polar, at codon 1214 of the LRP4 protein (p.Asn1214Lys). This variant is not present in population databases (gnomAD no frequency). This variant has not been reported in the literature in individuals affected with LRP4-related conditions. Algorithms developed to predict the effect of missense changes on protein structure and function (SIFT, PolyPhen-2, Align-GVGD) all suggest that this variant is likely to be disruptive. In summary, the available evidence is currently insufficient to determine the role of this variant in disease. Therefore, it has been classified as a Variant of Uncertain Significance.